The following is an entry in ClinVar:

NM_057175.5(NAA15):c.343C>T (p.Gln115Ter)

Gene: NAA15 (N-alpha-acetyltransferase 15, NatA auxiliary subunit; plus strand). Cytogenetic location: 4q31.1.
Variant type: single nucleotide variant.
Coding change: c.343C>T on transcript NM_057175.5 (MANE Select); coding-DNA position 343, C replaced by T.
Protein change: p.Gln115Ter; replaces glutamine 115 with a stop codon.
Molecular consequence: nonsense.
Genome position (GRCh38, 1-based): chr4:139,341,010, C>T. VCF-style: chr4-139341010-C-T. GRCh37 (hg19) VCF-style: chr4-140262164-C-T.
Other names: c.343C>T, p.Gln115Ter (NM_001410842.1); short protein forms Q115*.
Identifiers: ClinVar variation 4116388 (VCV004116388.1).

ClinVar aggregate classification (germline): Pathogenic (1 of 4 stars; one submission).

Conditions:
Inborn genetic diseases. Identifiers: MedGen C0950123, MeSH D030342.

Submission:

Ambry Genetics
Classification: Pathogenic for Inborn genetic diseases. Last evaluated: 2025-09-09. Review status: criteria provided, single submitter. Criteria: Ambry Variant Classification Scheme 2023. Collection method: clinical testing. Allele origin: germline.
Comment: The c.343C>T (p.Q115*) alteration, located in exon 4 (coding exon 4) of the NAA15 gene, consists of a C to T substitution at nucleotide position 343. This changes the amino acid from a glutamine (Q) to a stop codon at amino acid position 115. This alteration is expected to result in loss of function by premature protein truncation or nonsense-mediated mRNA decay. This variant was not reported in population-based cohorts in the Genome Aggregation Database (gnomAD). Based on the available evidence, this alteration is classified as pathogenic.